The following is an entry in ClinVar:

ClinVar aggregate classification (germline): Uncertain significance. Review status: criteria provided, multiple submitters, no conflicts (2 of 4 stars). 2 submissions from 2 submitters: Uncertain significance (2). Last evaluated 2025-01-05.

Conditions:
Nail-patella syndrome (NPS). Also called: ONYCHOOSTEODYSPLASIA; TURNER-KIESER SYNDROME; FONG DISEASE. Identifiers: Orphanet 2614, MedGen C0027341, MONDO:0008061, OMIM 161200.
Nail-patella-like renal disease. Also called: GLOMERULAR BASEMENT MEMBRANE DISEASE, NAIL-PATELLA SYNDROME TYPE; Focal Segmental Glomerulosclerosis 10. Identifiers: Orphanet 2613, MedGen C0403548, MONDO:0009724, OMIM 256020.

Allele frequency attached by ClinVar (database versions not stated): TOPMed 0.00002; gnomAD 0.00003; gnomAD exomes 0.00004; ExAC 0.00006; ESP Exome Variant Server 0.00015.
gnomAD v4.1: 42 of 1,613,980 alleles (0.0026%); highest among the groups gnomAD compares: Non-Finnish European, 0.0034%; no homozygotes.

Submissions (2):

Labcorp Genetics (formerly Invitae), Labcorp
Classification: Uncertain significance. Last evaluated: 2025-01-05. Review status: criteria provided, single submitter. Criteria: Invitae Variant Classification Sherloc (09022015). Collection method: clinical testing. Allele origin: germline.
Comment: This sequence change replaces arginine, which is basic and polar, with tryptophan, which is neutral and slightly polar, at codon 384 of the LMX1B protein (p.Arg384Trp). This variant is present in population databases (rs141496559, gnomAD 0.008%). This variant has not been reported in the literature in individuals affected with LMX1B-related conditions. ClinVar contains an entry for this variant (Variation ID: 1416097). An algorithm developed to predict the effect of missense changes on protein structure and function (PolyPhen-2) suggests that this variant is likely to be disruptive. In summary, the available evidence is currently insufficient to determine the role of this variant in disease. Therefore, it has been classified as a Variant of Uncertain Significance.

Fulgent Genetics
Classification: Uncertain significance for Nail-patella syndrome; Nail-patella-like renal disease. Last evaluated: 2024-05-13. Review status: criteria provided, single submitter. Criteria: ACMG Guidelines, 2015. Collection method: clinical testing. Allele origin: germline.

NM_001174147.2(LMX1B):c.1171C>T (p.Arg391Trp)

Gene: LMX1B (LIM homeobox transcription factor 1 beta; plus strand). Cytogenetic location: 9q33.3.
Variant type: single nucleotide variant.
Coding change: c.1171C>T on transcript NM_001174147.2 (MANE Select); coding-DNA position 1171, C replaced by T.
Protein change: p.Arg391Trp; replaces arginine 391 with tryptophan.
Molecular consequence: missense variant.
Genome position (GRCh38, 1-based): chr9:126,696,413, C>T. VCF-style: chr9-126696413-C-T. GRCh37 (hg19) VCF-style: chr9-129458692-C-T.
Other names: c.1183C>T, p.Arg395Trp (NM_001174146.2); c.1150C>T, p.Arg384Trp (NM_002316.4); short protein forms R395W, R384W, R391W.
Identifiers: ClinVar variation 1416097 (VCV001416097.10), dbSNP rs141496559, ClinGen allele CA5242579.
Genomic context (GRCh38, chr9:126,696,413, plus strand): 5'-TGCTTCCTCGGCTCCTCAGACGTGGGCTCCCTGCAGGCCCGCGTGGGGAACCCCATCGAC[C>T]GGCTCTACTCCATGCAGAGTTCCTACTTCGCCTCCTGAGAGCCAGCCAGGCGCACGGACG-3'
Protein context (NP_001167618.1, residues 381-401): LQARVGNPID[Arg391Trp]LYSMQSSYFA